The following is an entry in ClinVar:

NM_032608.7(MYO18B):c.4435-2A>C

Genes: MYO18B (myosin XVIIIB; plus strand), MYO18B-AS1 (MYO18B antisense RNA 1; minus strand). Cytogenetic location: 22q12.1.
Variant type: single nucleotide variant.
Coding change: c.4435-2A>C on transcript NM_032608.7 (MANE Select); the canonical splice acceptor site of the intron before coding-DNA position 4435, A replaced by C.
Molecular consequence: splice acceptor variant.
Genome position (GRCh38, 1-based): chr22:25,891,302, A>C. VCF-style: chr22-25891302-A-C. GRCh37 (hg19) VCF-style: chr22-26287269-A-C.
Other names: c.4438-2A>C (NM_001318245.2).
Identifiers: ClinVar variation 2701265 (VCV002701265.3), dbSNP rs2517791829, ClinGen allele CA411009473.

ClinVar aggregate classification (germline): Likely pathogenic (1 of 4 stars; one submission).

Submission:

Labcorp Genetics (formerly Invitae), Labcorp
Classification: Likely pathogenic. Last evaluated: 2025-02-17. Review status: criteria provided, single submitter. Criteria: Invitae Variant Classification Sherloc (09022015). Collection method: clinical testing. Allele origin: germline.
Comment: This sequence change affects an acceptor splice site in intron 26 of the MYO18B gene. It is expected to disrupt RNA splicing. Variants that disrupt the donor or acceptor splice site typically lead to a loss of protein function (PMID: 16199547), and loss-of-function variants in MYO18B are known to be pathogenic (PMID: 25748484, 32184166, 32637634). This variant is not present in population databases (gnomAD no frequency). This variant has not been reported in the literature in individuals affected with MYO18B-related conditions. ClinVar contains an entry for this variant (Variation ID: 2701265). Algorithms developed to predict the effect of sequence changes on RNA splicing suggest that this variant may disrupt the consensus splice site. In summary, the currently available evidence indicates that the variant is pathogenic, but additional data are needed to prove that conclusively. Therefore, this variant has been classified as Likely Pathogenic.

Literature cited by the submitters: PubMed 16199547; PubMed 25748484; PubMed 32184166; PubMed 32637634.